The following is an entry in ClinVar:

NM_032776.3(JMJD1C):c.7533+4A>G

Gene: JMJD1C (jumonji domain containing 1C; minus strand). Cytogenetic location: 10q21.3.
Variant type: single nucleotide variant.
Coding change: c.7533+4A>G on transcript NM_032776.3 (MANE Select); 4 bases into the intron after coding-DNA position 7533, A replaced by G.
Molecular consequence: intron variant.
Genome position (GRCh38, 1-based): chr10:63,168,431, T>C on the plus strand (A>G on the coding strand, the complement: JMJD1C is on the minus strand). VCF-style: chr10-63168431-T-C. GRCh37 (hg19) VCF-style: chr10-64928191-T-C.
Other names: c.6876+4A>G (NM_001322258.2, NM_001322254.2); c.6987+4A>G (NM_001318154.2, NM_001282948.2); c.7419+4A>G (NM_001322252.2); c.6669+4A>G (NM_001318153.2).
Identifiers: ClinVar variation 1505550 (VCV001505550.7), dbSNP rs1842048692, ClinGen allele CA1914878140.

ClinVar aggregate classification (germline): Uncertain significance (1 of 4 stars; one submission).

Conditions:
Early Myoclonic Encephalopathy. Identifiers: MedGen C0270855.

Allele frequency attached by ClinVar (database versions not stated): TOPMed below 0.00001.

Submissions (2):

Labcorp Genetics (formerly Invitae), Labcorp
Classification: Uncertain significance for Early Myoclonic Encephalopathy. Last evaluated: 2021-03-09. Review status: criteria provided, single submitter. Criteria: Invitae Variant Classification Sherloc (09022015). Collection method: clinical testing. Allele origin: germline.
Comment: In summary, the available evidence is currently insufficient to determine the role of this variant in disease. Therefore, it has been classified as a Variant of Uncertain Significance. Nucleotide substitutions within the consensus splice site are a relatively common cause of aberrant splicing (PMID: 17576681, 9536098). Algorithms developed to predict the effect of sequence changes on RNA splicing suggest that this variant is not likely to affect RNA splicing, but this prediction has not been confirmed by published transcriptional studies. This sequence change falls in intron 25 of the JMJD1C gene. It does not directly change the encoded amino acid sequence of the JMJD1C protein. It affects a nucleotide within the consensus splice site of the intron. This variant is not present in population databases (ExAC no frequency). This variant has not been reported in the literature in individuals with JMJD1C-related conditions.

Dr. Peter K. Rogan Lab, Western University
No classification provided (evidence only). Condition: Ovarian serous cystadenocarcinoma. Review status: no classification provided. Collection method: in vitro. Allele origin: not applicable. Functional consequence: retained intron. Not counted in ClinVar's aggregate classification.

Literature cited by the submitters: PubMed 17576681 (cited by Labcorp Genetics (formerly Invitae), Labcorp); PubMed 9536098 (cited by Labcorp Genetics (formerly Invitae), Labcorp).